The following is an entry in ClinVar:

ClinVar aggregate classification (germline): Likely benign (1 of 4 stars; one submission).

Submission:

GeneDx
Classification: Likely benign. Last evaluated: 2016-05-05. Review status: criteria provided, single submitter. Criteria: GeneDx Variant Classification (06012015). Collection method: clinical testing. Allele origin: germline. Affected: yes.
Comment: This variant is considered likely benign or benign based on one or more of the following criteria: it is a conservative change, it occurs at a poorly conserved position in the protein, it is predicted to be benign by multiple in silico algorithms, and/or has population frequency not consistent with disease.

NM_001370595.2(COA8):c.386-12A>G

Gene: COA8 (cytochrome c oxidase assembly factor 8; plus strand). Cytogenetic location: 14q32.33.
Variant type: single nucleotide variant.
Coding change: c.386-12A>G on transcript NM_001370595.2 (MANE Select); 12 bases into the intron before coding-DNA position 386, A replaced by G.
Molecular consequence: intron variant.
Genome position (GRCh38, 1-based): chr14:103,587,262, A>G. VCF-style: chr14-103587262-A-G. GRCh37 (hg19) VCF-style: chr14-104053599-A-G.
Other names: c.425-12A>G (NM_032374.4); c.474-12A>G (NM_001302653.2).
Identifiers: ClinVar variation 385411 (VCV000385411.1), dbSNP rs1057522217, ClinGen allele CA16606510.